The following is an entry in ClinVar:

ClinVar aggregate classification (germline): Likely benign. Review status: criteria provided, single submitter (1 of 4 stars). 2 submissions from 2 submitters: Likely benign (1). 1 of the submissions does not count toward it. Last evaluated 2023-12-18.

Conditions:
PHIP-related disorder. Also called: PHIP-related disorders; PHIP-related condition.

Allele frequency attached by ClinVar (database versions not stated): ExAC 0.00001; gnomAD 0.00001; TOPMed 0.00003.
gnomAD v4.1: 36 of 1,581,248 alleles (0.0023%); highest among the groups gnomAD compares: Middle Eastern, 0.05%; no homozygotes.

Submissions (2):

Labcorp Genetics (formerly Invitae), Labcorp
Classification: Likely benign. Last evaluated: 2023-12-18. Review status: criteria provided, single submitter. Criteria: Invitae Variant Classification Sherloc (09022015). Collection method: clinical testing. Allele origin: germline.

PreventionGenetics, part of Exact Sciences
Classification: Likely benign for PHIP-related condition. Last evaluated: 2022-10-30. Review status: no assertion criteria provided. Collection method: clinical testing. Allele origin: germline. Not counted in ClinVar's aggregate classification.
Comment: This variant is classified as likely benign based on ACMG/AMP sequence variant interpretation guidelines (Richards et al. 2015 PMID: 25741868, with internal and published modifications).

NM_017934.7(PHIP):c.4032G>A (p.Pro1344=)

Genes: IRAK1BP1 (interleukin 1 receptor associated kinase 1 binding protein 1; plus strand), PHIP (PHIP subunit of CUL4-Ring ligase complex; minus strand). Cytogenetic location: 6q14.1.
Variant type: single nucleotide variant.
Coding change: c.4032G>A on transcript NM_017934.7 (MANE Select); coding-DNA position 4032, G replaced by A.
Protein change: p.Pro1344=; no amino-acid change (proline 1344 retained).
Molecular consequence: synonymous variant.
Genome position (GRCh38, 1-based): chr6:78,954,835, C>T on the plus strand (G>A on the coding strand, the complement: PHIP is on the minus strand). VCF-style: chr6-78954835-C-T. GRCh37 (hg19) VCF-style: chr6-79664552-C-T.
Other names: c.4032G>A (NM_017934.6).
Identifiers: ClinVar variation 2969062 (VCV002969062.4), dbSNP rs773553141, ClinGen allele CA3899542.